The following is an entry in ClinVar:

ClinVar aggregate classification (germline): Uncertain significance (1 of 4 stars; one submission).

Submission:

Women's Health and Genetics/Laboratory Corporation of America, LabCorp
Classification: Uncertain significance. Last evaluated: 2026-02-11. Review status: criteria provided, single submitter. Criteria: LabCorp Variant Classification Summary - May 2015. Collection method: clinical testing. Allele origin: germline.
Comment: Variant summary: MYO15A c.3866+3G>A alters a conserved nucleotide located close to a canonical splice site and therefore could affect mRNA splicing, leading to a significantly altered protein sequence. Consensus agreement among computation tools predict no significant impact on normal splicing. However, these predictions have yet to be confirmed by functional studies. The variant was absent in 247650 control chromosomes. The available data on variant occurrences in the general population are insufficient to allow any conclusion about variant significance. To our knowledge, no occurrence of c.3866+3G>A in individuals affected with MYO15A-related conditions and no experimental evidence demonstrating its impact on protein function have been reported. No submitters have cited clinical-significance assessments for this variant to ClinVar. Based on the evidence outlined above, the variant was classified as uncertain significance.

NM_016239.4(MYO15A):c.3866+3G>A

Gene: MYO15A (myosin XVA; plus strand). Cytogenetic location: 17p11.2.
Variant type: single nucleotide variant.
Coding change: c.3866+3G>A on transcript NM_016239.4 (MANE Select); 3 bases into the intron after coding-DNA position 3866, G replaced by A.
Molecular consequence: intron variant.
Genome position (GRCh38, 1-based): chr17:18,126,459, G>A. VCF-style: chr17-18126459-G-A. GRCh37 (hg19) VCF-style: chr17-18029773-G-A.
Identifiers: ClinVar variation 4847883 (VCV004847883.1).
Genomic context (GRCh38, chr17:18,126,459, plus strand): 5'-TCTATGGGCCGGAGCAGGTGCAGCAGTACAACGGACGGGCCCTGGGAGAGAATCCCCCGT[G>A]AGTGTCTCGGGGGCGCTGCCCTGGGGTCTCTTGGGCCCCTCTTTCCCCTGCTCTGGGAGC-3'